The following is an entry in ClinVar:

ClinVar aggregate classification (germline): Likely benign (1 of 4 stars; one submission).

gnomAD v4.1: 10,670 of 1,554,736 alleles (0.69%); highest among the groups gnomAD compares: Admixed American, 0.8%; 467 homozygotes.

Submission:

CeGaT Center for Human Genetics Tuebingen
Classification: Likely benign. Last evaluated: 2026-02-01. Review status: criteria provided, single submitter. Criteria: CeGaT Center For Human Genetics Tuebingen Variant Classification Criteria Version 2. Collection method: clinical testing. Allele origin: germline. Affected: yes. Observed: 4 variant alleles.
Comment: ADAMTS7: BP4, BS2

NM_014272.5(ADAMTS7):c.3374T>C (p.Leu1125Pro)

Gene: ADAMTS7 (ADAM metallopeptidase with thrombospondin type 1 motif 7; minus strand). Cytogenetic location: 15q25.1.
Variant type: single nucleotide variant.
Coding change: c.3374T>C on transcript NM_014272.5 (MANE Select); coding-DNA position 3374, T replaced by C.
Protein change: p.Leu1125Pro; replaces leucine 1125 with proline.
Molecular consequence: missense variant.
Genome position (GRCh38, 1-based): chr15:78,766,537, A>G on the plus strand (T>C on the coding strand, the complement: ADAMTS7 is on the minus strand). VCF-style: chr15-78766537-A-G. GRCh37 (hg19) VCF-style: chr15-79058879-A-G.
Other names: short protein forms L1125P.
Identifiers: ClinVar variation 3898297 (VCV003898297.7).